The following is an entry in ClinVar:

NM_001004356.3(FGFRL1):c.433+10G>C

Gene: FGFRL1 (fibroblast growth factor receptor like 1; plus strand). Cytogenetic location: 4p16.3.
Variant type: single nucleotide variant.
Coding change: c.433+10G>C on transcript NM_001004356.3 (MANE Select); 10 bases into the intron after coding-DNA position 433, G replaced by C.
Molecular consequence: intron variant.
Genome position (GRCh38, 1-based): chr4:1,023,731, G>C. VCF-style: chr4-1023731-G-C. GRCh37 (hg19) VCF-style: chr4-1017519-G-C.
Other names: c.433+10G>C (NM_001004358.1, NM_001370296.1, NM_021923.3 and 1 more transcripts).
Identifiers: ClinVar variation 1170809 (VCV001170809.10), dbSNP rs4647933, ClinGen allele CA2802707.

ClinVar aggregate classification (germline): Benign. Review status: criteria provided, multiple submitters, no conflicts (2 of 4 stars). 3 submissions from 3 submitters: Benign (2). 1 of the submissions does not count toward it. Last evaluated 2026-02-02.

Conditions:
FGFRL1-related disorder. Also called: FGFRL1-related condition.

Allele frequency attached by ClinVar (database versions not stated): ESP Exome Variant Server 0.03209; gnomAD 0.03341 and 0.03411; TOPMed 0.03378; 1000 Genomes Project 30x 0.03654; 1000 Genomes Project 0.04034; gnomAD exomes 0.04777; ExAC 0.09100.
gnomAD v4.1: 62,475 of 1,558,602 alleles (4%); highest among the groups gnomAD compares: East Asian, 12%; 1,540 homozygotes.

Submissions (3):

Labcorp Genetics (formerly Invitae), Labcorp
Classification: Benign. Last evaluated: 2026-02-02. Review status: criteria provided, single submitter. Criteria: Invitae Variant Classification Sherloc (09022015). Collection method: clinical testing. Allele origin: germline.

Breakthrough Genomics
Classification: Benign. Review status: criteria provided, single submitter. Criteria: ACMG Guidelines, 2015. Collection method: not provided. Allele origin: germline. Inheritance: Unknown mechanism. Affected: yes.

PreventionGenetics, part of Exact Sciences
Classification: Benign for FGFRL1-related condition. Last evaluated: 2019-02-23. Review status: no assertion criteria provided. Collection method: clinical testing. Allele origin: germline. Not counted in ClinVar's aggregate classification.
Comment: This variant is classified as benign based on ACMG/AMP sequence variant interpretation guidelines (Richards et al. 2015 PMID: 25741868, with internal and published modifications).